The following is an entry in ClinVar:

GRCh37/hg19 17q22(chr17:55840956-56090386)x1

Genes: CUEDC1 (CUE domain containing 1; minus strand), MRPS23 (mitochondrial ribosomal protein S23; minus strand), SRSF1 (serine and arginine rich splicing factor 1; minus strand), VEZF1 (vascular endothelial zinc finger 1; minus strand). Cytogenetic location: 17q22.
Variant type: copy number loss.
Change: copy number 1 (one copy instead of two) of chr17:55,840,956-56,090,386 (249.4 kb, GRCh37 coordinates, 1-based), cytogenetic band 17q22.
Identifiers: ClinVar variation 1328440 (VCV001328440.4).

ClinVar aggregate classification (germline): Uncertain significance (1 of 4 stars; one submission).

Submission:

Illumina Laboratory Services, Illumina
Classification: Uncertain significance. Last evaluated: 2021-03-11. Review status: criteria provided, single submitter. Criteria: ICSL CNVClassificationCriteria Aug2020. Collection method: clinical testing. Allele origin: unknown.
Comment: This CNV is a 249kb deletion of 17q22, on chromosome 17, (seq[GRCh37]del(17)(q22); chr17:g.55840956_56090386del), which is found in a de novo state. This CNV constitutes a loss encompassing the following protein coding genes: VEZF1, SRSF1, MRPS23, CUEDC1. CNVs similar in genomic content have not been reported before but larger CNVs encompassing several more genes have been reported in individuals affected with neurodevelopmental disorders (Durmaz et al. 2020). This CNV has not been reported in controls. Based on the limited evidence currently available, this CNV is classified as a variant of uncertain significance.

Literature cited by the submitters: PubMed 31997693.